The following is an entry in ClinVar:

ClinVar aggregate classification (germline): Benign (3 of 4 stars; one submission).

Conditions:
Breast-ovarian cancer, familial, susceptibility to, 2 (BROVCA2). Also called: BRCA2 Hereditary Breast and Ovarian Cancer. Identifiers: Orphanet 145, MedGen C2675520, MONDO:0012933, OMIM 612555. Disease mechanism: loss of function.

Allele frequency attached by ClinVar (database versions not stated): gnomAD 0.00422 and 0.00437; TOPMed 0.00814; 1000 Genomes Project 0.00879.
gnomAD v4.1: 668 of 152,318 alleles (0.44%); highest among the groups gnomAD compares: Admixed American, 3.8%; 28 homozygotes.

Submission:

Evidence-based Network for the Interpretation of Germline Mutant Alleles (ENIGMA)
Classification: Benign for Breast-ovarian cancer, familial, susceptibility to, 2. Last evaluated: 2016-09-28. Review status: reviewed by expert panel. Criteria: ENIGMA BRCA1/2 Classification Criteria (2015). Collection method: curation. Allele origin: germline.
Comment: Class 1 not pathogenic based on frequency >1% in an outbred sampleset. Frequency 0.0591 (Admixed American/Latino), derived from 1000 genomes (2013-05-02).

NM_000059.4(BRCA2):c.6842-1350T>C

Gene: BRCA2 (BRCA2 DNA repair associated; plus strand). Cytogenetic location: 13q13.1.
Variant type: single nucleotide variant.
Coding change: c.6842-1350T>C on transcript NM_000059.4 (MANE Select); 1350 bases into the intron before coding-DNA position 6842, T replaced by C.
Molecular consequence: intron variant.
Genome position (GRCh38, 1-based): chr13:32,343,208, T>C. VCF-style: chr13-32343208-T-C. GRCh37 (hg19) VCF-style: chr13-32917345-T-C.
Identifiers: ClinVar variation 264958 (VCV000264958.1), dbSNP rs11571667, ClinGen allele CA10588099.